The following is an entry in ClinVar:

ClinVar aggregate classification (germline): not provided (0 of 4 stars; one submission).

Allele frequency attached by ClinVar (database versions not stated): gnomAD exomes 0.00024; TOPMed 0.00252; 1000 Genomes Project 0.00300; gnomAD 0.00301 and 0.00318.

Submission:

Human Evolutionary Genetics, Institut Pasteur
No classification provided. Review status: no classification provided. Collection method: not provided. Allele origin: germline.
ClinVar note: Converted during submission from untested to not provided.

NC_000019.10:g.55881870T>C

Gene: NLRP4 (NLR family pyrin domain containing 4; plus strand). Cytogenetic location: 19q13.43.
Variant type: single nucleotide variant.
Genome position: GRCh38 VCF-style: chr19-55881870-T-C. GRCh37 (hg19) VCF-style: chr19-56393236-T-C.
Identifiers: ClinVar variation 102983 (VCV000102983.2), dbSNP rs199475756, ClinGen allele CA229949.